The following is an entry in ClinVar:

NM_173477.5(USH1G):c.1375A>T (p.Thr459Ser)

Gene: USH1G (USH1 protein network component sans; minus strand). Cytogenetic location: 17q25.1.
Variant type: single nucleotide variant.
Coding change: c.1375A>T on transcript NM_173477.5 (MANE Select); coding-DNA position 1375, A replaced by T.
Protein change: p.Thr459Ser; replaces threonine 459 with serine.
Molecular consequence: missense variant.
Genome position (GRCh38, 1-based): chr17:74,919,461, T>A on the plus strand (A>T on the coding strand, the complement: USH1G is on the minus strand). VCF-style: chr17-74919461-T-A. GRCh37 (hg19) VCF-style: chr17-72915556-T-A.
Other names: c.1066A>T, p.Thr356Ser (NM_001282489.3); short protein forms T356S, T459S.
Identifiers: ClinVar variation 2110269 (VCV002110269.4), dbSNP rs2544427077, ClinGen allele CA400960994.

ClinVar aggregate classification (germline): Uncertain significance (1 of 4 stars; one submission).

Allele frequency attached by ClinVar (database versions not stated): gnomAD exomes below 0.00001.
gnomAD v4.1: 1 of 1,606,464 alleles (0.000062%); highest among the groups gnomAD compares: Non-Finnish European, 0.000085%; no homozygotes.

Submission:

Labcorp Genetics (formerly Invitae), Labcorp
Classification: Uncertain significance. Last evaluated: 2022-03-12. Review status: criteria provided, single submitter. Criteria: Invitae Variant Classification Sherloc (09022015). Collection method: clinical testing. Allele origin: germline.
Comment: Algorithms developed to predict the effect of missense changes on protein structure and function are either unavailable or do not agree on the potential impact of this missense change (SIFT: "Not Available"; PolyPhen-2: "Benign"; Align-GVGD: "Not Available"). In summary, the available evidence is currently insufficient to determine the role of this variant in disease. Therefore, it has been classified as a Variant of Uncertain Significance. This variant has not been reported in the literature in individuals affected with USH1G-related conditions. This variant is not present in population databases (gnomAD no frequency). This sequence change replaces threonine, which is neutral and polar, with serine, which is neutral and polar, at codon 459 of the USH1G protein (p.Thr459Ser).